The following is an entry in ClinVar:

NM_000051.4(ATM):c.3097A>T (p.Lys1033Ter)

Gene: ATM (ATM serine/threonine kinase; plus strand). Cytogenetic location: 11q22.3.
Variant type: single nucleotide variant.
Coding change: c.3097A>T on transcript NM_000051.4 (MANE Select); coding-DNA position 3097, A replaced by T.
Protein change: p.Lys1033Ter; replaces lysine 1033 with a stop codon.
Molecular consequence: nonsense.
Genome position (GRCh38, 1-based): chr11:108,272,551, A>T. VCF-style: chr11-108272551-A-T. GRCh37 (hg19) VCF-style: chr11-108143278-A-T.
Other names: c.3097A>T, p.Lys1033Ter (NM_001351834.2); short protein forms K1033*.
Identifiers: ClinVar variation 822855 (VCV000822855.4), dbSNP rs1591608334, ClinGen allele CA382515083.

ClinVar aggregate classification (germline): Pathogenic (1 of 4 stars; one submission).

Conditions:
Hereditary cancer-predisposing syndrome. Also called: Tumor predisposition; Hereditary Cancer Syndrome; Neoplastic Syndromes, Hereditary; Hereditary neoplastic syndrome. Identifiers: Orphanet 140162, MedGen C0027672, MeSH D009386, MONDO:0015356.

Submission:

Ambry Genetics
Classification: Pathogenic for Hereditary cancer-predisposing syndrome. Last evaluated: 2019-08-30. Review status: criteria provided, single submitter. Criteria: Ambry Variant Classification Scheme 2023. Collection method: clinical testing. Allele origin: germline.
Comment: The p.K1033* pathogenic mutation (also known as c.3097A>T), located in coding exon 20 of the ATM gene, results from an A to T substitution at nucleotide position 3097. This changes the amino acid from a lysine to a stop codon within coding exon 20. This alteration is expected to result in loss of function by premature protein truncation or nonsense-mediated mRNA decay. As such, this alteration is interpreted as a disease-causing mutation.